The following is an entry in ClinVar:

NM_006361.6(HOXB13):c.828C>T (p.Ala276=)

Gene: HOXB13 (homeobox B13; minus strand). Cytogenetic location: 17q21.32.
Variant type: single nucleotide variant.
Coding change: c.828C>T on transcript NM_006361.6 (MANE Select); coding-DNA position 828, C replaced by T.
Protein change: p.Ala276=; no amino-acid change (alanine 276 retained).
Molecular consequence: synonymous variant.
Genome position (GRCh38, 1-based): chr17:48,726,817, G>A on the plus strand (C>T on the coding strand, the complement: HOXB13 is on the minus strand). VCF-style: chr17-48726817-G-A. GRCh37 (hg19) VCF-style: chr17-46804179-G-A.
Other names: c.828C>T (NM_006361.5).
Identifiers: ClinVar variation 1149575 (VCV001149575.11), dbSNP rs757155193, ClinGen allele CA8633901.

ClinVar aggregate classification (germline): Conflicting classifications of pathogenicity. Review status: criteria provided, conflicting classifications (1 of 4 stars). 3 submissions from 3 submitters: Uncertain significance (1); Benign (1); Likely benign (1). Last evaluated 2025-08-31.

Conditions:
Prostate cancer, hereditary, 9 (HPC9). Identifiers: Orphanet 1331, MedGen C1970250, MONDO:0012597, OMIM 610997.
Hereditary cancer-predisposing syndrome. Also called: Tumor predisposition; Neoplastic Syndromes, Hereditary; Hereditary neoplastic syndrome; Hereditary Cancer Syndrome. Identifiers: Orphanet 140162, MedGen C0027672, MeSH D009386, MONDO:0015356.

Allele frequency attached by ClinVar (database versions not stated): gnomAD exomes below 0.00001; ExAC 0.00001; gnomAD 0.00001.
gnomAD v4.1: 2 of 1,614,026 alleles (0.00012%); highest among the groups gnomAD compares: East Asian, 0.0022%; no homozygotes.

Submissions (3):

Labcorp Genetics (formerly Invitae), Labcorp
Classification: Likely benign. Last evaluated: 2025-08-31. Review status: criteria provided, single submitter. Criteria: Invitae Variant Classification Sherloc (09022015). Collection method: clinical testing. Allele origin: germline.

Ambry Genetics
Classification: Uncertain significance for Hereditary cancer-predisposing syndrome. Last evaluated: 2025-03-14. Review status: criteria provided, single submitter. Criteria: Ambry Variant Classification Scheme 2023. Collection method: clinical testing. Allele origin: germline.
Comment: The c.828C>T variant (also known as p.A276A), located in coding exon 2 of the HOXB13 gene, results from a C to T substitution at nucleotide position 828. This nucleotide substitution does not change the amino acid at codon 276. This nucleotide position is well conserved in available vertebrate species. In silico splice site analysis for this alteration is inconclusive. Based on the available evidence, the clinical significance of this variant remains unclear.

Myriad Genetics, Inc.
Classification: Benign for Prostate cancer, hereditary, 9. Last evaluated: 2024-10-31. Review status: criteria provided, single submitter. Criteria: Myriad Autosomal Dominant, Autosomal Recessive and X-Linked Classification Criteria (2023). Collection method: clinical testing. Allele origin: unknown.
Comment: This variant is considered benign. This variant is a silent/synonymous amino acid change and it is not expected to impact splicing.